The following is an entry in ClinVar:

NM_018908.3(PCDHA5):c.2352+39104C>T

Genes: PCDHA1 (protocadherin alpha 1; plus strand), PCDHA10 (protocadherin alpha 10; plus strand), PCDHA2 (protocadherin alpha 2; plus strand), PCDHA3 (protocadherin alpha 3; plus strand), PCDHA4 (protocadherin alpha 4; plus strand) and 6 more. Cytogenetic location: 5q31.3.
Variant type: single nucleotide variant.
Coding change: c.2352+39104C>T on transcript NM_018908.3 (MANE Select); 39104 bases into the intron after coding-DNA position 2352, C replaced by T.
Molecular consequence: intron variant. On other transcripts: 3 prime UTR variant (1).
Genome position (GRCh38, 1-based): chr5:140,863,231, C>T. VCF-style: chr5-140863231-C-T. GRCh37 (hg19) VCF-style: chr5-140242816-C-T.
Other names: c.*4648C>T (NM_031859.3); c.2394+74547C>T (NM_018900.4); c.1602+75339C>T (NM_031411.3); c.2388+65879C>T (NM_018905.3); c.2394+59640C>T (NM_018906.3); c.2385+53659C>T (NM_018907.4); c.2394+32746C>T (NM_018909.4); c.1602+33538C>T (NM_031849.3); and 5 more.
Identifiers: ClinVar variation 2655788 (VCV002655788.24), dbSNP rs189351986, ClinGen allele CA3451602.
Genomic context (GRCh38, chr5:140,863,231, plus strand): 5'-CTGCCACCGTCACCGTGGTGGCGTCGCTGGCGGAGAGCAGCCAAGCGAGGAAGGTCCCAT[C>T]GCGGGCTTTGGCGGGCGTCGAGGTCCGGGAGGCAGCGCTGGTGGATGTCAACGTGTACCT-3'

ClinVar aggregate classification (germline): Likely benign (1 of 4 stars; one submission).

Allele frequency attached by ClinVar (database versions not stated): 1000 Genomes Project 0.00220; 1000 Genomes Project 30x 0.00265; ExAC 0.00286.
gnomAD v4.1: 3,078 of 1,227,642 alleles (0.25%); highest among the groups gnomAD compares: Middle Eastern, 0.99%; 13 homozygotes.

Submission:

CeGaT Center for Human Genetics Tuebingen
Classification: Likely benign. Last evaluated: 2026-02-01. Review status: criteria provided, single submitter. Criteria: CeGaT Center For Human Genetics Tuebingen Variant Classification Criteria Version 2. Collection method: clinical testing. Allele origin: germline. Affected: yes. Observed: 2 variant alleles.
Comment: PCDHA2: BS2; PCDHA3: BS2; PCDHA5: BS2; PCDHA6: BS2; PCDHA7: BS2; PCDHA8: BS2; PCDHA9: BS2